The following is an entry in ClinVar:

ClinVar aggregate classification (germline): Uncertain significance (1 of 4 stars; one submission).

Submission:

Ambry Genetics
Classification: Uncertain significance. Last evaluated: 2026-08-12. Review status: criteria provided, single submitter. Criteria: Ambry Variant Classification Scheme 2023. Collection method: clinical testing. Allele origin: germline.
Comment: The p.D782A variant (also known as c.2345A>C), located in coding exon 13 of the GEN1 gene, results from an A to C substitution at nucleotide position 2345. The aspartic acid at codon 782 is replaced by alanine, an amino acid with dissimilar properties. This amino acid position is conserved. In addition, this alteration is predicted to be tolerated by in silico analysis. Based on the available evidence, the clinical significance of this variant remains unclear.

NM_001130009.3(GEN1):c.2345A>C (p.Asp782Ala)

Gene: GEN1 (GEN1 structure-specific endonuclease; plus strand). Cytogenetic location: 2p24.2.
Variant type: single nucleotide variant.
Coding change: c.2345A>C on transcript NM_001130009.3 (MANE Select); coding-DNA position 2345, A replaced by C.
Protein change: p.Asp782Ala; replaces aspartic acid 782 with alanine.
Molecular consequence: missense variant.
Genome position (GRCh38, 1-based): chr2:17,781,557, A>C. VCF-style: chr2-17781557-A-C. GRCh37 (hg19) VCF-style: chr2-17962824-A-C.
Other names: c.2345A>C, p.Asp782Ala (NM_182625.5); short protein forms D782A.
Identifiers: ClinVar variation 5022329 (VCV005022329.1).